The following is an entry in ClinVar:

ClinVar aggregate classification (germline): Uncertain significance. Review status: criteria provided, multiple submitters, no conflicts (2 of 4 stars). 2 submissions from 2 submitters: Uncertain significance (2). Last evaluated 2025-12-09.

Conditions:
Inborn genetic diseases. Identifiers: MedGen C0950123, MeSH D030342.
Hereditary spastic paraplegia 48. Also called: Spastic paraplegia 48; SPASTIC PARAPLEGIA 48, AUTOSOMAL RECESSIVE. Identifiers: Orphanet 306511, MedGen C3150901, MONDO:0013342, OMIM 613647.

Allele frequency attached by ClinVar (database versions not stated): gnomAD exomes 0.00003 and 0.00005; TOPMed 0.00003; ExAC 0.00005; gnomAD 0.00005 and 0.00006.
gnomAD v4.1: 81 of 1,552,034 alleles (0.0052%); highest among the groups gnomAD compares: East Asian, 0.0073%; no homozygotes.

Submissions (2):

Ambry Genetics
Classification: Uncertain significance for Inborn genetic diseases. Last evaluated: 2025-12-09. Review status: criteria provided, single submitter. Criteria: Ambry Variant Classification Scheme 2023. Collection method: clinical testing. Allele origin: germline.

Labcorp Genetics (formerly Invitae), Labcorp
Classification: Uncertain significance for Hereditary spastic paraplegia 48. Last evaluated: 2025-03-19. Review status: criteria provided, single submitter. Criteria: Invitae Variant Classification Sherloc (09022015). Collection method: clinical testing. Allele origin: germline.
Comment: This sequence change replaces glycine, which is neutral and non-polar, with arginine, which is basic and polar, at codon 573 of the AP5Z1 protein (p.Gly573Arg). The frequency data for this variant in the population databases is considered unreliable, as metrics indicate poor data quality at this position in the gnomAD database. This variant has not been reported in the literature in individuals affected with AP5Z1-related conditions. ClinVar contains an entry for this variant (Variation ID: 1015505). Invitae Evidence Modeling of protein sequence and biophysical properties (such as structural, functional, and spatial information, amino acid conservation, physicochemical variation, residue mobility, and thermodynamic stability) indicates that this missense variant is not expected to disrupt AP5Z1 protein function with a negative predictive value of 80%. In summary, the available evidence is currently insufficient to determine the role of this variant in disease. Therefore, it has been classified as a Variant of Uncertain Significance.

NM_014855.3(AP5Z1):c.1717G>A (p.Gly573Arg)

Gene: AP5Z1 (adaptor related protein complex 5 subunit zeta 1; plus strand). Cytogenetic location: 7p22.1.
Variant type: single nucleotide variant.
Coding change: c.1717G>A on transcript NM_014855.3 (MANE Select); coding-DNA position 1717, G replaced by A.
Protein change: p.Gly573Arg; replaces glycine 573 with arginine.
Molecular consequence: missense variant. On other transcripts: non-coding transcript variant (1).
Genome position (GRCh38, 1-based): chr7:4,789,841, G>A. VCF-style: chr7-4789841-G-A. GRCh37 (hg19) VCF-style: chr7-4829472-G-A.
Other names: c.1249G>A, p.Gly417Arg (NM_001364858.1); c.1717G>A (NM_014855.2); short protein forms G417R, G573R.
Identifiers: ClinVar variation 1015505 (VCV001015505.10), dbSNP rs746432998, ClinGen allele CA4138004.